The following is an entry in ClinVar:

NM_004304.5(ALK):c.1811C>G (p.Ser604Cys)

Gene: ALK (ALK receptor tyrosine kinase; minus strand). Cytogenetic location: 2p23.2.
Variant type: single nucleotide variant.
Coding change: c.1811C>G on transcript NM_004304.5 (MANE Select); coding-DNA position 1811, C replaced by G.
Protein change: p.Ser604Cys; replaces serine 604 with cysteine.
Molecular consequence: missense variant.
Genome position (GRCh38, 1-based): chr2:29,296,894, G>C on the plus strand (C>G on the coding strand, the complement: ALK is on the minus strand). VCF-style: chr2-29296894-G-C. GRCh37 (hg19) VCF-style: chr2-29519760-G-C.
Other names: short protein forms S604C.
Identifiers: ClinVar variation 3223802 (VCV003223802.1), dbSNP rs2465371541, ClinGen allele CA346465797.

ClinVar aggregate classification (germline): Uncertain significance (1 of 4 stars; one submission).

Conditions:
Hereditary cancer-predisposing syndrome. Also called: Tumor predisposition; Hereditary neoplastic syndrome; Hereditary Cancer Syndrome; Neoplastic Syndromes, Hereditary. Identifiers: Orphanet 140162, MedGen C0027672, MeSH D009386, MONDO:0015356.

Submission:

Ambry Genetics
Classification: Uncertain significance for Hereditary cancer-predisposing syndrome. Last evaluated: 2023-10-27. Review status: criteria provided, single submitter. Criteria: Ambry Variant Classification Scheme 2023. Collection method: clinical testing. Allele origin: germline.
Comment: The p.S604C variant (also known as c.1811C>G), located in coding exon 9 of the ALK gene, results from a C to G substitution at nucleotide position 1811. The serine at codon 604 is replaced by cysteine, an amino acid with dissimilar properties. This amino acid position is conserved. In addition, this alteration is predicted to be tolerated by in silico analysis. Since supporting evidence is limited at this time, the clinical significance of this alteration remains unclear.